The following is an entry in ClinVar:

ClinVar aggregate classification (germline): Likely pathogenic (1 of 4 stars; one submission).

Conditions:
Congenital heart defects, multiple types, 4 (CHTD4). Identifiers: MedGen C4014310, MONDO:0014344, OMIM 615779.

Submission:

Victorian Clinical Genetics Services, Murdoch Childrens Research Institute
Classification: Likely pathogenic for Congenital heart defects, multiple types, 4. Last evaluated: 2021-05-06. Review status: criteria provided, single submitter. Criteria: ACMG Guidelines, 2015. Collection method: clinical testing. Allele origin: germline. Inheritance: Autosomal dominant inheritance.
Comment: Based on the classification scheme VCGS_Germline_v1.3.4, this variant is classified as Likely Pathogenic. Following criteria are met: 0105 - The mechanism of disease for this gene is not clearly established. (I) 0107 - This gene is associated with autosomal dominant disease. The genotype-phenotype correlation between congenital heart defects, multiple types, 4 (MIM#615779) and 46,XX sex reversal 5 (MIM#618901) is not established. However, patients with both phenotypes have NMD-predicted variants versus CHD patients have either missense or truncating variants (PMID: 29478779, 24702954, 29663647). (I) 0112 - The condition associated with this gene has incomplete penetrance. In a cohort of patients with congenital heart defects, inheritance of variants from unaffected parents were reported (PMID: 24702954). (I) 0204 - Variant is predicted to result in a truncated protein (premature termination codon is NOT located at least 54 nucleotides upstream of the final exon-exon junction) with at least 1/3 of the protein sequence affected. (SP) 0251- This variant is heterozygous. (I) 0301 - Variant is absent from gnomAD (both v2 and v3). (SP) 0702 - Other downstream truncating variants comparable to the one identified in this case have strong previous evidence for pathogenicity (Clinvar; PMID: 29570242). (SP) 0807 - This variant has no previous evidence of pathogenicity. (I) 0905 - No published segregation evidence has been identified for this variant. (I) 1007 - No published functional evidence has been identified for this variant. (I) 1208 - Inheritance information for this variant is not currently available in this individual. (I) Legend: (SP) - Supporting pathogenic, (I) - Information, (SB) - Supporting benign

Literature cited by the submitters: PubMed 24702954; PubMed 29478779; PubMed 29570242; PubMed 29663647.

NM_021005.4(NR2F2):c.558dup (p.Arg187fs)

Gene: NR2F2 (nuclear receptor subfamily 2 group F member 2; plus strand). Cytogenetic location: 15q26.2.
Variant type: Duplication.
Coding change: c.558dup on transcript NM_021005.4 (MANE Select); coding-DNA position 558, one base duplicated (G; older notation c.558dupG).
Protein change: p.Arg187fs; shifts the reading frame from arginine 187.
Molecular consequence: frameshift variant.
Genome position (GRCh38, 1-based): chr15:96,334,191, G duplicated. VCF-style (leftmost placement, unchanged base first): chr15-96334190-T-TG. GRCh37 (hg19) VCF-style: chr15-96877419-T-TG.
Other names: c.159dup, p.Arg54fs (NM_001145155.2); c.99dup, p.Arg34fs (NM_001145156.1, NM_001145157.2); short protein forms R187fs, R34fs, R54fs.
Identifiers: ClinVar variation 1805610 (VCV001805610.1), dbSNP rs2505774176, ClinGen allele CA1139771258.